The following is an entry in ClinVar:

NM_012479.4(YWHAG):c.604G>C (p.Asp202His)

Gene: YWHAG (tyrosine 3-monooxygenase/tryptophan 5-monooxygenase activation protein gamma; minus strand). Cytogenetic location: 7q11.23.
Variant type: single nucleotide variant.
Coding change: c.604G>C on transcript NM_012479.4 (MANE Select); coding-DNA position 604, G replaced by C.
Protein change: p.Asp202His; replaces aspartic acid 202 with histidine.
Molecular consequence: missense variant.
Genome position (GRCh38, 1-based): chr7:76,329,717, C>G on the plus strand (G>C on the coding strand, the complement: YWHAG is on the minus strand). VCF-style: chr7-76329717-C-G. GRCh37 (hg19) VCF-style: chr7-75959034-C-G.
Other names: short protein forms D202H.
Identifiers: ClinVar variation 3667328 (VCV003667328.2).

ClinVar aggregate classification (germline): Uncertain significance (1 of 4 stars; one submission).

Submission:

Labcorp Genetics (formerly Invitae), Labcorp
Classification: Uncertain significance. Last evaluated: 2024-11-18. Review status: criteria provided, single submitter. Criteria: Invitae Variant Classification Sherloc (09022015). Collection method: clinical testing. Allele origin: germline.
Comment: This sequence change replaces aspartic acid, which is acidic and polar, with histidine, which is basic and polar, at codon 202 of the YWHAG protein (p.Asp202His). This variant is not present in population databases (gnomAD no frequency). This variant has not been reported in the literature in individuals affected with YWHAG-related conditions. Invitae Evidence Modeling of protein sequence and biophysical properties (such as structural, functional, and spatial information, amino acid conservation, physicochemical variation, residue mobility, and thermodynamic stability) indicates that this missense variant is expected to disrupt YWHAG protein function with a positive predictive value of 80%. In summary, the available evidence is currently insufficient to determine the role of this variant in disease. Therefore, it has been classified as a Variant of Uncertain Significance.